The following is an entry in ClinVar:

ClinVar aggregate classification (germline): Likely benign (1 of 4 stars; one submission).

Allele frequency attached by ClinVar (database versions not stated): 1000 Genomes Project 30x 0.00062; 1000 Genomes Project 0.00080; ESP Exome Variant Server 0.00085; gnomAD exomes 0.00104; gnomAD 0.00111; ExAC 0.00115; TOPMed 0.00125.
gnomAD v4.1: 1,681 of 1,614,244 alleles (0.1%); highest among the groups gnomAD compares: Non-Finnish European, 0.11%; 2 homozygotes.

Submission:

CeGaT Center for Human Genetics Tuebingen
Classification: Likely benign. Last evaluated: 2026-09-01. Review status: criteria provided, single submitter. Criteria: CeGaT Center For Human Genetics Tuebingen Variant Classification Criteria Version 2. Collection method: clinical testing. Allele origin: germline. Affected: yes. Observed: 4 variant alleles.
Comment: UBE4A: BP4, BP7

NM_001204077.2(UBE4A):c.1782A>G (p.Leu594=)

Gene: UBE4A (ubiquitination factor E4A; plus strand). Cytogenetic location: 11q23.3.
Variant type: single nucleotide variant.
Coding change: c.1782A>G on transcript NM_001204077.2 (MANE Select); coding-DNA position 1782, A replaced by G.
Protein change: p.Leu594=; no amino-acid change (leucine 594 retained).
Molecular consequence: synonymous variant.
Genome position (GRCh38, 1-based): chr11:118,379,656, A>G. VCF-style: chr11-118379656-A-G. GRCh37 (hg19) VCF-style: chr11-118250371-A-G.
Other names: c.1803A>G, p.Leu601= (NM_004788.4).
Identifiers: ClinVar variation 2642415 (VCV002642415.24), dbSNP rs143573037, ClinGen allele CA6302672.